The following is an entry in ClinVar:

ClinVar aggregate classification (germline): Uncertain significance (1 of 4 stars; one submission).

Submission:

CeGaT Center for Human Genetics Tuebingen
Classification: Uncertain significance. Last evaluated: 2026-06-01. Review status: criteria provided, single submitter. Criteria: CeGaT Center For Human Genetics Tuebingen Variant Classification Criteria Version 2. Collection method: clinical testing. Allele origin: germline. Affected: yes. Observed: 1 variant allele.
Comment: COL4A5: PM2, PP3, PS1:Supporting

NM_033380.3(COL4A5):c.4994+3A>T

Gene: COL4A5 (collagen type IV alpha 5 chain; plus strand). Cytogenetic location: Xq22.3.
Variant type: single nucleotide variant.
Coding change: c.4994+3A>T on transcript NM_033380.3 (MANE Select); 3 bases into the intron after coding-DNA position 4994, A replaced by T.
Molecular consequence: intron variant.
Genome position (GRCh38, 1-based): chrX:108,695,442, A>T. VCF-style: chrX-108695442-A-T. GRCh37 (hg19) VCF-style: chrX-107938672-A-T.
Other names: c.4976+3A>T (NM_000495.5).
Identifiers: ClinVar variation 4875418 (VCV004875418.2).